The following is an entry in ClinVar:

NM_000492.4(CFTR):c.4079T>C (p.Val1360Ala)

Gene: CFTR (CF transmembrane conductance regulator; plus strand). Cytogenetic location: 7q31.2.
Variant type: single nucleotide variant.
Coding change: c.4079T>C on transcript NM_000492.4 (MANE Select); coding-DNA position 4079, T replaced by C.
Protein change: p.Val1360Ala; replaces valine 1360 with alanine.
Molecular consequence: missense variant.
Genome position (GRCh38, 1-based): chr7:117,664,803, T>C. VCF-style: chr7-117664803-T-C. GRCh37 (hg19) VCF-style: chr7-117304857-T-C.
Other names: short protein forms V1360A.
Identifiers: ClinVar variation 3630830 (VCV003630830.2).
Genomic context (GRCh38, chr7:117,664,803, plus strand): 5'-TGGATGGGGGCTGTGTCCTAAGCCATGGCCACAAGCAGTTGATGTGCTTGGCTAGATCTG[T>C]TCTCAGTAAGGCGAAGATCTTGCTGCTTGATGAACCCAGTGCTCATTTGGATCCAGTGTG-3'
Protein context (NP_000483.3, residues 1350-1370): HKQLMCLARS[Val1360Ala]LSKAKILLLD

ClinVar aggregate classification (germline): Uncertain significance (1 of 4 stars; one submission).

Conditions:
Cystic fibrosis (CF). Also called: MUCOVISCIDOSIS. Identifiers: Orphanet 586, MedGen C0010674, MONDO:0009061, OMIM 219700. Disease mechanism: loss of function.

Submission:

Labcorp Genetics (formerly Invitae), Labcorp
Classification: Uncertain significance for Cystic fibrosis. Last evaluated: 2024-02-20. Review status: criteria provided, single submitter. Criteria: Invitae Variant Classification Sherloc (09022015). Collection method: clinical testing. Allele origin: germline.
Comment: This sequence change replaces valine, which is neutral and non-polar, with alanine, which is neutral and non-polar, at codon 1360 of the CFTR protein (p.Val1360Ala). This variant is not present in population databases (gnomAD no frequency). This variant has not been reported in the literature in individuals affected with CFTR-related conditions. Advanced modeling of protein sequence and biophysical properties (such as structural, functional, and spatial information, amino acid conservation, physicochemical variation, residue mobility, and thermodynamic stability) performed at Invitae indicates that this missense variant is not expected to disrupt CFTR protein function with a negative predictive value of 80%. In summary, the available evidence is currently insufficient to determine the role of this variant in disease. Therefore, it has been classified as a Variant of Uncertain Significance.